The following is an entry in ClinVar:

NM_001009999.3(KDM1A):c.1347T>G (p.Asp449Glu)

Gene: KDM1A (lysine demethylase 1A; plus strand). Cytogenetic location: 1p36.12.
Variant type: single nucleotide variant.
Coding change: c.1347T>G on transcript NM_001009999.3 (MANE Select); coding-DNA position 1347, T replaced by G.
Protein change: p.Asp449Glu; replaces aspartic acid 449 with glutamic acid.
Molecular consequence: missense variant.
Genome position (GRCh38, 1-based): chr1:23,069,085, T>G. VCF-style: chr1-23069085-T-G. GRCh37 (hg19) VCF-style: chr1-23395578-T-G.
Other names: c.1275T>G, p.Asp425Glu (NM_001363654.2, NM_001410763.1, NM_015013.4); c.1335T>G, p.Asp445Glu (NM_001410762.1); short protein forms D449E, D425E, D445E.
Identifiers: ClinVar variation 3863312 (VCV003863312.1).

ClinVar aggregate classification (germline): Uncertain significance (1 of 4 stars; one submission).

Conditions:
Inborn genetic diseases. Identifiers: MedGen C0950123, MeSH D030342.

gnomAD v4.1: 1 of 1,610,844 alleles (0.000062%); highest among the groups gnomAD compares: Non-Finnish European, 0.000085%; no homozygotes.

Submission:

Ambry Genetics
Classification: Uncertain significance for Inborn genetic diseases. Last evaluated: 2025-02-06. Review status: criteria provided, single submitter. Criteria: Ambry Variant Classification Scheme 2023. Collection method: clinical testing. Allele origin: germline.
Comment: The p.D449E variant (also known as c.1347T>G), located in coding exon 12 of the KDM1A gene, results from a T to G substitution at nucleotide position 1347. The aspartic acid at codon 449 is replaced by glutamic acid, an amino acid with highly similar properties. This amino acid position is conserved. In addition, the in silico prediction for this alteration is inconclusive. Based on the available evidence, the clinical significance of this variant remains unclear.